The following is an entry in ClinVar:

NM_015057.5(MYCBP2):c.3818GAG[1] (p.Gly1274del)

Gene: MYCBP2 (MYC binding protein 2; minus strand). Cytogenetic location: 13q22.3.
Variant type: Microsatellite.
Coding change: c.3818GAG[1] on transcript NM_015057.5 (MANE Select); one copy of the 3-base unit GAG starting at c.3818; the reference has two copies in a row; one copy, 3 bases deleted.
Protein change: p.Gly1274del; deletes glycine 1274.
Molecular consequence: inframe deletion.
Genome position (GRCh38, 1-based): chr13:77,205,276-77,205,278, CTC deleted on the plus strand (GAG on the coding strand, the reverse complement: MYCBP2 is on the minus strand); deleting any 3 consecutive bases within chr13:77,205,276-77,205,281 gives the same sequence; the position shown is the placement nearest the transcript's 3' end. VCF-style (leftmost placement, unchanged base first): chr13-77205275-TCTC-T. GRCh37 (hg19) VCF-style: chr13-77779410-TCTC-T.
Other names: short protein forms G1274del.
Identifiers: ClinVar variation 2633123 (VCV002633123.1), dbSNP rs2549248681, ClinGen allele CA2695199764.

ClinVar aggregate classification (germline): Uncertain significance (1 of 4 stars; one submission).

Conditions:
MYCBP2-related disorder. Also called: MYCBP2-related condition.

Submission:

PreventionGenetics, part of Exact Sciences
Classification: Uncertain significance for MYCBP2-related condition. Last evaluated: 2023-04-26. Review status: criteria provided, single submitter. Criteria: ACMG Guidelines, 2015. Collection method: clinical testing. Allele origin: germline.
Comment: The MYCBP2 c.3821_3823delGAG variant is predicted to result in an in-frame deletion (p.Gly1274del). To our knowledge, this variant has not been reported in the literature or in a large population database, indicating this variant is rare. At this time, the clinical significance of this variant is uncertain due to the absence of conclusive functional and genetic evidence.